The following is an entry in ClinVar:

ClinVar aggregate classification (germline): Conflicting classifications of pathogenicity. Review status: criteria provided, conflicting classifications (1 of 4 stars). 3 submissions from 3 submitters: Uncertain significance (2); Likely benign (1). Last evaluated 2025-06-05.

Allele frequency attached by ClinVar (database versions not stated): TOPMed below 0.00001.
gnomAD v4.1: 39 of 1,612,608 alleles (0.0024%); highest among the groups gnomAD compares: East Asian, 0.013%; no homozygotes.

Submissions (3):

Revvity Omics, Revvity
Classification: Uncertain significance. Last evaluated: 2025-06-05. Review status: criteria provided, single submitter. Criteria: ACMG Guidelines, 2015. Collection method: clinical testing. Allele origin: germline.

Blueprint Genetics
Classification: Likely benign. Last evaluated: 2018-05-30. Review status: criteria provided, single submitter. Criteria: ACMG Guidelines, 2015. Collection method: clinical testing. Allele origin: germline.

Biesecker Lab/Clinical Genomics Section, National Institutes of Health
Classification: Uncertain significance. Last evaluated: 2013-06-24. Review status: criteria provided, single submitter. Criteria: Ng et al. (Circ Cardiovasc Genet. 2013). Collection method: research. Allele origin: unknown. Observed: 1 variant allele. Study: ClinSeq.
Comment: The study set was not selected for affection status in relation to any cancer. Pathogenicity categories were based on literature curation. See Pubmed ID:23861362 for details.

Medical sequencing

NM_001267550.2(TTN):c.70979G>A (p.Arg23660Gln)

Genes: TTN (titin; minus strand), TTN-AS1 (TTN antisense RNA 1; plus strand). Cytogenetic location: 2q31.2.
Variant type: single nucleotide variant.
Coding change: c.70979G>A on transcript NM_001267550.2 (MANE Select); coding-DNA position 70979, G replaced by A.
Protein change: p.Arg23660Gln; replaces arginine 23660 with glutamine.
Molecular consequence: missense variant.
Genome position (GRCh38, 1-based): chr2:178,575,153, C>T on the plus strand (G>A on the coding strand, the complement: TTN is on the minus strand). VCF-style: chr2-178575153-C-T. GRCh37 (hg19) VCF-style: chr2-179439880-C-T.
Other names: c.66056G>A, p.Arg22019Gln (NM_001256850.1); c.43784G>A, p.Arg14595Gln (NM_003319.4); c.63275G>A, p.Arg21092Gln (NM_133378.4); c.44159G>A, p.Arg14720Gln (NM_133432.3); c.44360G>A, p.Arg14787Gln (NM_133437.4); short protein forms R21092Q, R23660Q, R14787Q, R22019Q, R14595Q, R14720Q.
Identifiers: ClinVar variation 191905 (VCV000191905.3), dbSNP rs570979108, ClinGen allele CA237833.
Genomic context (GRCh38, chr2:178,575,153, plus strand): 5'-ACTCTCTGTGTCTGTTTAAGAATTTGGTCTCCTTTTTTCCATGTCACTGTGGGCTTCGGT[C>T]GACCGAGCACTGGAATTTCAACTTTGATGTTGTCACCAGCTTTGGCAATGACCAGTTTCT-3'
Protein context (NP_001254479.2, residues 23650-23670): NIKVEIPVLG[Arg23660Gln]PKPTVTWKKG